The following is an entry in ClinVar:

ClinVar aggregate classification (germline): Likely benign. Review status: criteria provided, multiple submitters, no conflicts (2 of 4 stars). 3 submissions from 3 submitters: Likely benign (2). 1 of the submissions does not count toward it. Last evaluated 2024-02-24.

Conditions:
TUB-related disorder. Also called: TUB-related condition.

gnomAD v4.1: 87 of 1,613,676 alleles (0.0054%); highest among the groups gnomAD compares: Non-Finnish European, 0.00025%; no homozygotes.

Submissions (3):

Labcorp Genetics (formerly Invitae), Labcorp
Classification: Likely benign. Last evaluated: 2024-02-24. Review status: criteria provided, single submitter. Criteria: Invitae Variant Classification Sherloc (09022015). Collection method: clinical testing. Allele origin: germline.

Blueprint Genetics
Classification: Likely benign. Last evaluated: 2023-12-15. Review status: criteria provided, single submitter. Criteria: ACMG Guidelines, 2015. Collection method: clinical testing. Allele origin: germline.

PreventionGenetics, part of Exact Sciences
Classification: Likely benign for TUB-related condition. Last evaluated: 2021-08-10. Review status: no assertion criteria provided. Collection method: clinical testing. Allele origin: germline. Not counted in ClinVar's aggregate classification.
Comment: This variant is classified as likely benign based on ACMG/AMP sequence variant interpretation guidelines (Richards et al. 2015 PMID: 25741868, with internal and published modifications).

NM_177972.3(TUB):c.219C>G (p.Ser73=)

Gene: TUB (TUB bipartite transcription factor; plus strand). Cytogenetic location: 11p15.4.
Variant type: single nucleotide variant.
Coding change: c.219C>G on transcript NM_177972.3 (MANE Select); coding-DNA position 219, C replaced by G.
Protein change: p.Ser73=; no amino-acid change (serine 73 retained).
Molecular consequence: synonymous variant.
Genome position (GRCh38, 1-based): chr11:8,090,197, C>G. VCF-style: chr11-8090197-C-G. GRCh37 (hg19) VCF-style: chr11-8111744-C-G.
Other names: c.384C>G (NM_003320.4); c.384C>G, p.Ser128= (NM_003320.5).
Identifiers: ClinVar variation 1648107 (VCV001648107.11), dbSNP rs757759953, ClinGen allele CA5870997.